The following is an entry in ClinVar:

NM_006885.4(ZFHX3):c.3717G>A (p.Arg1239=)

Genes: ZFHX3 (zinc finger homeobox 3; minus strand), ZFHX3-AS1 (ZFHX3 antisense RNA 1; plus strand). Cytogenetic location: 16q22.3.
Variant type: single nucleotide variant.
Coding change: c.3717G>A on transcript NM_006885.4 (MANE Select); coding-DNA position 3717, G replaced by A.
Protein change: p.Arg1239=; no amino-acid change (arginine 1239 retained).
Molecular consequence: synonymous variant.
Genome position (GRCh38, 1-based): chr16:72,811,724, C>T on the plus strand (G>A on the coding strand, the complement: ZFHX3 is on the minus strand). VCF-style: chr16-72811724-C-T. GRCh37 (hg19) VCF-style: chr16-72845623-C-T.
Other names: c.975G>A, p.Arg325= (NM_001164766.2); c.3717G>A, p.Arg1239= (NM_001386735.1).
Identifiers: ClinVar variation 4873175 (VCV004873175.2).
Genomic context (GRCh38, chr16:72,811,724, plus strand): 5'-GTCCTGGCACAGGGGGCAGCGAAGCATGGGTTGCACCGAGTGCTGCGTCATGGCATGCAC[C>T]CGGAGCCGGTTGACATCGGCATTACTGTACTTGCAGTAGGGACACTGGTACATCTGTGGG-3'
Protein context (NP_008816.3, residues 1229-1249): KYSNADVNRL[Arg1239=]VHAMTQHSVQ

ClinVar aggregate classification (germline): Likely benign (1 of 4 stars; one submission).

gnomAD v4.1: 3 of 1,614,046 alleles (0.00019%); highest among the groups gnomAD compares: East Asian, 0.0022%; no homozygotes.

Submission:

CeGaT Center for Human Genetics Tuebingen
Classification: Likely benign. Last evaluated: 2026-04-01. Review status: criteria provided, single submitter. Criteria: CeGaT Center For Human Genetics Tuebingen Variant Classification Criteria Version 2. Collection method: clinical testing. Allele origin: germline. Affected: yes. Observed: 1 variant allele.
Comment: ZFHX3: BP4, BP7